The following is an entry in ClinVar:

NM_000287.4(PEX6):c.2729C>T (p.Thr910Met)

Gene: PEX6 (peroxisomal biogenesis factor 6; minus strand). Cytogenetic location: 6p21.1.
Variant type: single nucleotide variant.
Coding change: c.2729C>T on transcript NM_000287.4 (MANE Select); coding-DNA position 2729, C replaced by T.
Protein change: p.Thr910Met; replaces threonine 910 with methionine.
Molecular consequence: missense variant. On other transcripts: non-coding transcript variant (1).
Genome position (GRCh38, 1-based): chr6:42,964,867, G>A on the plus strand (C>T on the coding strand, the complement: PEX6 is on the minus strand). VCF-style: chr6-42964867-G-A. GRCh37 (hg19) VCF-style: chr6-42932605-G-A.
Other names: c.2465C>T, p.Thr822Met (NM_001316313.2); short protein forms T822M, T910M.
Identifiers: ClinVar variation 967941 (VCV000967941.9), dbSNP rs762089817, ClinGen allele CA3810924.

ClinVar aggregate classification (germline): Uncertain significance. Review status: criteria provided, multiple submitters, no conflicts (2 of 4 stars). 3 submissions from 3 submitters: Uncertain significance (2). 1 of the submissions does not count toward it. Last evaluated 2025-03-17.

Conditions:
Inborn genetic diseases. Identifiers: MedGen C0950123, MeSH D030342.
Zellweger spectrum disorders (ZS). Also called: Zellweger Spectrum Disorder; Zellweger Spectrum; Zellweger syndrome; Zellweger Spectrum Disorder (ZSD). Identifiers: Orphanet 912, MedGen C0043459, MONDO:0019609.
Peroxisome biogenesis disorder. Identifiers: Orphanet 79189, MedGen C1832200, MONDO:0019234. Disease mechanism: loss of function.

Allele frequency attached by ClinVar (database versions not stated): gnomAD 0.00001; gnomAD exomes 0.00001 and 0.00002; ExAC 0.00002; TOPMed 0.00002.
gnomAD v4.1: 22 of 1,613,990 alleles (0.0014%); highest among the groups gnomAD compares: Admixed American, 0.0033%; no homozygotes.

Submissions (3):

Labcorp Genetics (formerly Invitae), Labcorp
Classification: Uncertain significance for Peroxisome biogenesis disorder. Last evaluated: 2025-03-17. Review status: criteria provided, single submitter. Criteria: Invitae Variant Classification Sherloc (09022015). Collection method: clinical testing. Allele origin: germline.
Comment: This sequence change replaces threonine, which is neutral and polar, with methionine, which is neutral and non-polar, at codon 910 of the PEX6 protein (p.Thr910Met). This variant is present in population databases (rs762089817, gnomAD 0.009%). This variant has not been reported in the literature in individuals affected with PEX6-related conditions. ClinVar contains an entry for this variant (Variation ID: 967941). Invitae Evidence Modeling of protein sequence and biophysical properties (such as structural, functional, and spatial information, amino acid conservation, physicochemical variation, residue mobility, and thermodynamic stability) indicates that this missense variant is expected to disrupt PEX6 protein function with a positive predictive value of 95%. In summary, the available evidence is currently insufficient to determine the role of this variant in disease. Therefore, it has been classified as a Variant of Uncertain Significance.

Ambry Genetics
Classification: Uncertain significance for Inborn genetic diseases. Last evaluated: 2024-08-28. Review status: criteria provided, single submitter. Criteria: Ambry Variant Classification Scheme 2023. Collection method: clinical testing. Allele origin: germline.

Natera, Inc.
Classification: Uncertain significance for Zellweger syndrome. Last evaluated: 2021-09-23. Review status: no assertion criteria provided. Collection method: clinical testing. Allele origin: germline. Not counted in ClinVar's aggregate classification.